The following is an entry in ClinVar:

ClinVar aggregate classification (germline): Likely benign. Review status: criteria provided, multiple submitters, no conflicts (2 of 4 stars). 3 submissions from 3 submitters: Likely benign (2). 1 of the submissions does not count toward it. Last evaluated 2024-01-31.

Conditions:
FGFR2-related craniosynostosis. Identifiers: MedGen CN231480.
FGFR2-related disorder. Identifiers: MedGen CN380096.

Allele frequency attached by ClinVar (database versions not stated): gnomAD exomes below 0.00001; TOPMed 0.00001.
gnomAD v4.1: 6 of 1,612,370 alleles (0.00037%); highest among the groups gnomAD compares: Non-Finnish European, 0.00051%; no homozygotes.

Submissions (3):

Labcorp Genetics (formerly Invitae), Labcorp
Classification: Likely benign for FGFR2-related craniosynostosis. Last evaluated: 2024-01-31. Review status: criteria provided, single submitter. Criteria: Invitae Variant Classification Sherloc (09022015). Collection method: clinical testing. Allele origin: germline.

Blueprint Genetics
Classification: Likely benign. Last evaluated: 2020-10-09. Review status: criteria provided, single submitter. Criteria: ACMG Guidelines, 2015. Collection method: clinical testing. Allele origin: germline.

PreventionGenetics, part of Exact Sciences
Classification: Likely benign for FGFR2-related condition. Last evaluated: 2020-07-20. Review status: no assertion criteria provided. Collection method: clinical testing. Allele origin: germline. Not counted in ClinVar's aggregate classification.
Comment: This variant is classified as likely benign based on ACMG/AMP sequence variant interpretation guidelines (Richards et al. 2015 PMID: 25741868, with internal and published modifications).

NM_000141.5(FGFR2):c.1716C>T (p.Leu572=)

Gene: FGFR2 (fibroblast growth factor receptor 2; minus strand). Cytogenetic location: 10q26.13.
Variant type: single nucleotide variant.
Coding change: c.1716C>T on transcript NM_000141.5 (MANE Select); coding-DNA position 1716, C replaced by T.
Protein change: p.Leu572=; no amino-acid change (leucine 572 retained).
Molecular consequence: synonymous variant. On other transcripts: non-coding transcript variant (1).
Genome position (GRCh38, 1-based): chr10:121,496,679, G>A on the plus strand (C>T on the coding strand, the complement: FGFR2 is on the minus strand). VCF-style: chr10-121496679-G-A. GRCh37 (hg19) VCF-style: chr10-123256193-G-A.
Other names: c.1719C>T, p.Leu573= (NM_001144913.1, NM_022970.4); c.1380C>T, p.Leu460= (NM_001144914.1); c.1449C>T, p.Leu483= (NM_001144915.2, NM_023029.3); c.1371C>T, p.Leu457= (NM_001144916.2); c.1368C>T, p.Leu456= (NM_001144917.2); c.1365C>T, p.Leu455= (NM_001144918.2); c.1452C>T, p.Leu484= (NM_001144919.2); c.1032C>T, p.Leu344= (NM_001320654.2); and 1 more.
Identifiers: ClinVar variation 2717143 (VCV002717143.6), dbSNP rs1222100043, ClinGen allele CA471648875.